The following is an entry in ClinVar:

NM_014476.6(PDLIM3):c.330+7G>A

Gene: PDLIM3 (PDZ and LIM domain 3; minus strand). Cytogenetic location: 4q35.1.
Variant type: single nucleotide variant.
Coding change: c.330+7G>A on transcript NM_014476.6 (MANE Select); 7 bases into the intron after coding-DNA position 330, G replaced by A.
Molecular consequence: intron variant.
Genome position (GRCh38, 1-based): chr4:185,523,355, C>T on the plus strand (G>A on the coding strand, the complement: PDLIM3 is on the minus strand). VCF-style: chr4-185523355-C-T. GRCh37 (hg19) VCF-style: chr4-186444509-C-T.
Other names: c.94-9018G>A (NM_001257963.2); c.330+7G>A (NM_001257962.2, NM_001114107.5, NM_014476.5).
Identifiers: ClinVar variation 1121320 (VCV001121320.11), dbSNP rs369445862, ClinGen allele CA3159850.

ClinVar aggregate classification (germline): Likely benign. Review status: criteria provided, single submitter (1 of 4 stars). 2 submissions from 2 submitters: Likely benign (1). 1 of the submissions does not count toward it. Last evaluated 2025-07-19.

Conditions:
PDLIM3-related disorder. Also called: PDLIM3-related condition.
Hypertrophic cardiomyopathy. Also called: HYPERTROPHIC MYOCARDIOPATHY. Identifiers: Orphanet 217569, MedGen C0007194, MeSH D002312, MONDO:0005045, HP:0001639.
Primary dilated cardiomyopathy (DCM). Also called: Dilated Cardiomyopathy. Identifiers: Orphanet 217604, MedGen C0007193, MeSH D002311, MONDO:0005021, HP:0001644. Inheritance: Various modes of inheritance.

Allele frequency attached by ClinVar (database versions not stated): gnomAD exomes 0.00002 and 0.00006; gnomAD 0.00003 and 0.00002; TOPMed 0.00003; 1000 Genomes Project 30x 0.00016; 1000 Genomes Project 0.00020; ExAC 0.00007; ESP Exome Variant Server 0.00008.
gnomAD v4.1: 40 of 1,587,256 alleles (0.0025%); highest among the groups gnomAD compares: South Asian, 0.013%; no homozygotes.

Submissions (2):

Labcorp Genetics (formerly Invitae), Labcorp
Classification: Likely benign for Hypertrophic cardiomyopathy; Primary dilated cardiomyopathy. Last evaluated: 2025-07-19. Review status: criteria provided, single submitter. Criteria: Invitae Variant Classification Sherloc (09022015). Collection method: clinical testing. Allele origin: germline.

PreventionGenetics, part of Exact Sciences
Classification: Likely benign for PDLIM3-related condition. Last evaluated: 2020-06-01. Review status: no assertion criteria provided. Collection method: clinical testing. Allele origin: germline. Not counted in ClinVar's aggregate classification.
Comment: This variant is classified as likely benign based on ACMG/AMP sequence variant interpretation guidelines (Richards et al. 2015 PMID: 25741868, with internal and published modifications).